The following is an entry in ClinVar:

ClinVar aggregate classification (germline): Uncertain significance (1 of 4 stars; one submission).

Allele frequency attached by ClinVar (database versions not stated): gnomAD 0.00001; gnomAD exomes 0.00001 and 0.00003; TOPMed 0.00002; ExAC 0.00006.
gnomAD v4.1: 15 of 1,604,068 alleles (0.00094%); highest among the groups gnomAD compares: East Asian, 0.0022%; no homozygotes.

Submission:

Labcorp Genetics (formerly Invitae), Labcorp
Classification: Uncertain significance. Last evaluated: 2022-07-05. Review status: criteria provided, single submitter. Criteria: Invitae Variant Classification Sherloc (09022015). Collection method: clinical testing. Allele origin: germline.
Comment: In summary, the available evidence is currently insufficient to determine the role of this variant in disease. Therefore, it has been classified as a Variant of Uncertain Significance. Algorithms developed to predict the effect of missense changes on protein structure and function output the following: SIFT: "Tolerated"; PolyPhen-2: "Benign"; Align-GVGD: "Class C0". The valine amino acid residue is found in multiple mammalian species, which suggests that this missense change does not adversely affect protein function. ClinVar contains an entry for this variant (Variation ID: 1418698). This variant has not been reported in the literature in individuals affected with MPDZ-related conditions. This variant is present in population databases (rs778664846, gnomAD 0.007%). This sequence change replaces isoleucine, which is neutral and non-polar, with valine, which is neutral and non-polar, at codon 950 of the MPDZ protein (p.Ile950Val).

NM_001378778.1(MPDZ):c.2848A>G (p.Ile950Val)

Gene: MPDZ (multiple PDZ domain crumbs cell polarity complex component; minus strand). Cytogenetic location: 9p23.
Variant type: single nucleotide variant.
Coding change: c.2848A>G on transcript NM_001378778.1 (MANE Select); coding-DNA position 2848, A replaced by G.
Protein change: p.Ile950Val; replaces isoleucine 950 with valine.
Molecular consequence: missense variant.
Genome position (GRCh38, 1-based): chr9:13,176,219, T>C on the plus strand (A>G on the coding strand, the complement: MPDZ is on the minus strand). VCF-style: chr9-13176219-T-C. GRCh37 (hg19) VCF-style: chr9-13176218-T-C.
Other names: c.2848A>G, p.Ile950Val (NM_001261406.2, NM_001261407.2, NM_001330637.2 and 14 more transcripts); short protein forms I950V.
Identifiers: ClinVar variation 1418698 (VCV001418698.8), dbSNP rs778664846, ClinGen allele CA4987347.